The following is an entry in ClinVar:

NM_000551.4(VHL):c.295C>T (p.Pro99Ser)

Gene: VHL (von Hippel-Lindau tumor suppressor; plus strand). Cytogenetic location: 3p25.3.
Variant type: single nucleotide variant.
Coding change: c.295C>T on transcript NM_000551.4 (MANE Select); coding-DNA position 295, C replaced by T.
Protein change: p.Pro99Ser; replaces proline 99 with serine.
Molecular consequence: missense variant. On other transcripts: non-coding transcript variant (1).
Genome position (GRCh38, 1-based): chr3:10,142,142, C>T. VCF-style: chr3-10142142-C-T. GRCh37 (hg19) VCF-style: chr3-10183826-C-T.
Other names: c.295C>T, p.Pro99Ser (NM_001354723.2, NM_198156.3); short protein forms P99S.
Identifiers: ClinVar variation 3753898 (VCV003753898.3).

ClinVar aggregate classification (germline): Conflicting classifications of pathogenicity. Review status: criteria provided, conflicting classifications (1 of 4 stars). 2 submissions from 2 submitters: Uncertain significance (1); Likely benign (1). Last evaluated 2025-07-27.

Conditions:
Hereditary cancer-predisposing syndrome. Also called: Neoplastic Syndromes, Hereditary; Tumor predisposition; Hereditary Cancer Syndrome; Hereditary neoplastic syndrome. Identifiers: Orphanet 140162, MedGen C0027672, MeSH D009386, MONDO:0015356.
Chuvash polycythemia. Also called: POLYCYTHEMIA, VHL-DEPENDENT. Identifiers: Orphanet 238557, MedGen C1837915, MONDO:0009892, OMIM 263400.
Von Hippel-Lindau syndrome (VHLS). Also called: VHL syndrome; von Hippel–Lindau syndrome; Von Hippel-Lindau. Identifiers: Orphanet 892, MedGen C0019562, MONDO:0008667, OMIM 193300. Disease mechanism: loss of function.

Submissions (2):

Labcorp Genetics (formerly Invitae), Labcorp
Classification: Uncertain significance for Von Hippel-Lindau syndrome; Chuvash polycythemia. Last evaluated: 2025-07-27. Review status: criteria provided, single submitter. Criteria: Invitae Variant Classification Sherloc (09022015). Collection method: clinical testing. Allele origin: germline.
Comment: This sequence change replaces proline, which is neutral and non-polar, with serine, which is neutral and polar, at codon 99 of the VHL protein (p.Pro99Ser). This variant is not present in population databases (gnomAD no frequency). This variant has not been reported in the literature in individuals affected with VHL-related conditions. ClinVar contains an entry for this variant (Variation ID: 3753898). Invitae Evidence Modeling of protein sequence and biophysical properties (such as structural, functional, and spatial information, amino acid conservation, physicochemical variation, residue mobility, and thermodynamic stability) indicates that this missense variant is expected to disrupt VHL protein function with a positive predictive value of 95%. In summary, the available evidence is currently insufficient to determine the role of this variant in disease. Therefore, it has been classified as a Variant of Uncertain Significance.

Ambry Genetics
Classification: Likely benign for Hereditary cancer-predisposing syndrome. Last evaluated: 2025-02-26. Review status: criteria provided, single submitter. Criteria: Ambry Variant Classification Scheme 2023. Collection method: clinical testing. Allele origin: germline.